The following is an entry in ClinVar:

NM_003722.5(TP63):c.1537G>A (p.Ala513Thr)

Gene: TP63 (tumor protein p63; plus strand). Cytogenetic location: 3q28.
Variant type: single nucleotide variant.
Coding change: c.1537G>A on transcript NM_003722.5 (MANE Select); coding-DNA position 1537, G replaced by A.
Protein change: p.Ala513Thr; replaces alanine 513 with threonine.
Molecular consequence: missense variant. On other transcripts: intron variant (4).
Genome position (GRCh38, 1-based): chr3:189,889,369, G>A. VCF-style: chr3-189889369-G-A. GRCh37 (hg19) VCF-style: chr3-189607158-G-A.
Other names: c.1537G>A, p.Ala513Thr (NM_001114978.2); c.1255G>A, p.Ala419Thr (NM_001114980.2, NM_001114981.2); c.1000G>A, p.Ala334Thr (NM_001329146.2); c.1525G>A, p.Ala509Thr (NM_001329148.2); c.1531G>A, p.Ala511Thr (NM_001329964.2); c.1507+2818G>A (NM_001329144.2); c.1225+2818G>A (NM_001329145.2); c.1213+2818G>A (NM_001329149.2); and 1 more; short protein forms A334T, A509T, A513T, A419T, A511T.
Identifiers: ClinVar variation 1497612 (VCV001497612.7), dbSNP rs1196701463, ClinGen allele CA355758202.

ClinVar aggregate classification (germline): Uncertain significance (1 of 4 stars; one submission).

Conditions:
TP63-Related Spectrum Disorders.

Submission:

Labcorp Genetics (formerly Invitae), Labcorp
Classification: Uncertain significance. Last evaluated: 2021-02-03. Review status: criteria provided, single submitter. Criteria: Invitae Variant Classification Sherloc (09022015). Collection method: clinical testing. Allele origin: germline.
Comment: In summary, the available evidence is currently insufficient to determine the role of this variant in disease. Therefore, it has been classified as a Variant of Uncertain Significance. Algorithms developed to predict the effect of missense changes on protein structure and function output the following: SIFT: "Tolerated"; PolyPhen-2: "Benign"; Align-GVGD: "Class C0". The threonine amino acid residue is found in multiple mammalian species, suggesting that this missense change does not adversely affect protein function. These predictions have not been confirmed by published functional studies and their clinical significance is uncertain. This variant has not been reported in the literature in individuals with TP63-related conditions. This variant is not present in population databases (ExAC no frequency). This sequence change replaces alanine with threonine at codon 513 of the TP63 protein (p.Ala513Thr). The alanine residue is highly conserved and there is a small physicochemical difference between alanine and threonine.